The following is an entry in ClinVar:

NC_000004.12:g.(?_150921178)_(150921313_?)del

Gene: LRBA (LPS responsive beige-like anchor protein; minus strand). Cytogenetic location: 4q31.3.
Variant type: Deletion.
Identifiers: ClinVar variation 660154 (VCV000660154.3).

ClinVar aggregate classification (germline): Uncertain significance (1 of 4 stars; one submission).

Conditions:
Combined immunodeficiency due to LRBA deficiency. Also called: Common variable immunodeficiency 8, with autoimmunity. Identifiers: Orphanet 445018, MedGen C3553512, MONDO:0013863, OMIM 614700.

Submission:

Labcorp Genetics (formerly Invitae), Labcorp
Classification: Uncertain significance for Combined immunodeficiency due to LRBA deficiency. Last evaluated: 2018-09-26. Review status: criteria provided, single submitter. Criteria: Invitae Variant Classification Sherloc (09022015). Collection method: clinical testing. Allele origin: germline.
Comment: In summary, the available evidence is currently insufficient to determine the role of this variant in disease. Therefore, it has been classified as a Variant of Uncertain Significance. Experimental studies and prediction algorithms are not available for this variant, and the functional significance of the deleted amino acids is currently unknown. Deletions of exon 5 have not been reported in the literature in individuals with LRBA-related disease. This variant is an in-frame deletion of the genomic region encompassing exon 5 of the LRBA gene. It preserves the integrity of the reading frame.